The following is an entry in ClinVar:

NM_000264.5(PTCH1):c.3151del (p.Trp1051fs)

Gene: PTCH1 (patched 1; minus strand). Cytogenetic location: 9q22.32.
Variant type: Deletion.
Coding change: c.3151del on transcript NM_000264.5 (MANE Select); coding-DNA position 3151, one base deleted (T; older notation c.3151delT).
Protein change: p.Trp1051fs; shifts the reading frame from tryptophan 1051.
Molecular consequence: frameshift variant. On other transcripts: non-coding transcript variant (1).
Genome position (GRCh38, 1-based): chr9:95,458,030, A deleted on the plus strand (T on the coding strand, the reverse complement: PTCH1 is on the minus strand). VCF-style (leftmost placement, unchanged base first): chr9-95458029-CA-C. GRCh37 (hg19) VCF-style: chr9-98220311-CA-C.
Other names: c.2953del, p.Trp985fs (NM_001083602.3); c.3148del, p.Trp1050fs (NM_001083603.3); c.2698del, p.Trp900fs (NM_001083604.3, NM_001083605.3, NM_001083606.3 and 1 more transcripts); c.2995del, p.Trp999fs (NM_001354918.2); short protein forms W1050fs, W1051fs, W900fs, W985fs, W999fs.
Identifiers: ClinVar variation 2696066 (VCV002696066.3), dbSNP rs2538066828, ClinGen allele CA2697557890.

ClinVar aggregate classification (germline): Pathogenic (1 of 4 stars; one submission).

Conditions:
Gorlin syndrome. Also called: Nevoid Basal Cell Carcinoma Syndrome; Basal cell nevus syndrome. Identifiers: Orphanet 377, MedGen C0004779, MONDO:0007187.

Submission:

Labcorp Genetics (formerly Invitae), Labcorp
Classification: Pathogenic for Gorlin syndrome. Last evaluated: 2023-11-22. Review status: criteria provided, single submitter. Criteria: Invitae Variant Classification Sherloc (09022015). Collection method: clinical testing. Allele origin: germline.
Comment: This sequence change creates a premature translational stop signal (p.Trp1051Glyfs*7) in the PTCH1 gene. It is expected to result in an absent or disrupted protein product. Loss-of-function variants in PTCH1 are known to be pathogenic (PMID: 16301862, 16419085). This variant is not present in population databases (gnomAD no frequency). This premature translational stop signal has been observed in individual(s) with basal cell nevus syndrome (PMID: 29575684). For these reasons, this variant has been classified as Pathogenic.

Literature cited by the submitters: PubMed 16301862; PubMed 16419085; PubMed 29575684.